The following is an entry in ClinVar:

NM_003052.5(SLC34A1):c.627del (p.Asp209fs)

Gene: SLC34A1 (solute carrier family 34 member 1; plus strand). Cytogenetic location: 5q35.3.
Variant type: Deletion.
Coding change: c.627del on transcript NM_003052.5 (MANE Select); coding-DNA position 627, one base deleted (C; older notation c.627delC).
Protein change: p.Asp209fs; shifts the reading frame from aspartic acid 209.
Molecular consequence: frameshift variant.
Genome position (GRCh38, 1-based): chr5:177,387,856, C deleted. VCF-style (leftmost placement, unchanged base first): chr5-177387855-AC-A. GRCh37 (hg19) VCF-style: chr5-176814856-AC-A.
Other names: c.627del, p.Asp209fs (NM_001167579.2); short protein forms D209fs.
Identifiers: ClinVar variation 3381884 (VCV003381884.2).

ClinVar aggregate classification (germline): Pathogenic (1 of 4 stars; one submission).

Conditions:
Hypercalcemia, infantile, 2 (HCINF2). Identifiers: Orphanet 300547, MedGen C4310473, MONDO:0014851, OMIM 616963.

Submission:

Juno Genomics, Hangzhou Juno Genomics, Inc
Classification: Pathogenic for Hypercalcemia, infantile, 2. Review status: criteria provided, single submitter. Criteria: ACMG Guidelines, 2015. Collection method: clinical testing. Allele origin: germline. Affected: yes.
Comment: Absent from controls (or at extremely low frequency if recessive) in Genome Aggregation Database, Exome Sequencing Project, 1000 Genomes Project, or Exome Aggregation Consortium.;Null variant in a gene where loss of function (LOF) is a known mechanism of disease.;Patient's phenotype or family history is highly specific for a disease with a single genetic etiology.